The following is an entry in ClinVar:

ClinVar aggregate classification (germline): Uncertain significance. Review status: criteria provided, multiple submitters, no conflicts (2 of 4 stars). 2 submissions from 2 submitters: Uncertain significance (2). Last evaluated 2022-03-12.

Conditions:
Retinitis pigmentosa 12 (RP12). Also called: RP WITH OR WITHOUT PPRPE; RP WITH OR WITHOUT PRESERVED PARAARTERIOLE RETINAL PIGMENT EPITHELIUM; RETINITIS PIGMENTOSA WITH OR WITHOUT PARAARTERIOLAR PRESERVATION OF RETINAL PIGMENT EPITHELIUM. Identifiers: Orphanet 791, MedGen C1838647, MONDO:0010818, OMIM 600105.
Leber congenital amaurosis 8 (LCA8). Identifiers: Orphanet 65, MedGen C3151202, MONDO:0013453, OMIM 613835.

Allele frequency attached by ClinVar (database versions not stated): gnomAD exomes 0.00001; ExAC 0.00003.
gnomAD v4.1: 10 of 1,608,740 alleles (0.00062%); no homozygotes.

Submissions (2):

Labcorp Genetics (formerly Invitae), Labcorp
Classification: Uncertain significance for Leber congenital amaurosis 8; Retinitis pigmentosa 12. Last evaluated: 2022-03-12. Review status: criteria provided, single submitter. Criteria: Invitae Variant Classification Sherloc (09022015). Collection method: clinical testing. Allele origin: germline.
Comment: This sequence change replaces leucine, which is neutral and non-polar, with phenylalanine, which is neutral and non-polar, at codon 1176 of the CRB1 protein (p.Leu1176Phe). This variant is present in population databases (rs775745371, gnomAD 0.01%). This variant has not been reported in the literature in individuals affected with CRB1-related conditions. Advanced modeling of protein sequence and biophysical properties (such as structural, functional, and spatial information, amino acid conservation, physicochemical variation, residue mobility, and thermodynamic stability) performed at Invitae indicates that this missense variant is not expected to disrupt CRB1 protein function. In summary, the available evidence is currently insufficient to determine the role of this variant in disease. Therefore, it has been classified as a Variant of Uncertain Significance.

Blueprint Genetics
Classification: Uncertain significance. Last evaluated: 2021-12-31. Review status: criteria provided, single submitter. Criteria: ACMG Guidelines, 2015. Collection method: clinical testing. Allele origin: germline.

NM_201253.3(CRB1):c.3526C>T (p.Leu1176Phe)

Gene: CRB1 (crumbs cell polarity complex component 1; plus strand). Cytogenetic location: 1q31.3.
Variant type: single nucleotide variant.
Coding change: c.3526C>T on transcript NM_201253.3 (MANE Select); coding-DNA position 3526, C replaced by T.
Protein change: p.Leu1176Phe; replaces leucine 1176 with phenylalanine.
Molecular consequence: missense variant. On other transcripts: non-coding transcript variant (2), intron variant (1).
Genome position (GRCh38, 1-based): chr1:197,435,389, C>T. VCF-style: chr1-197435389-C-T. GRCh37 (hg19) VCF-style: chr1-197404519-C-T.
Other names: c.3190C>T, p.Leu1064Phe (NM_001193640.2); c.3454C>T, p.Leu1152Phe (NM_001257965.2); c.2129-211C>T (NM_001257966.2); short protein forms L1176F, L1064F, L1152F.
Identifiers: ClinVar variation 2042797 (VCV002042797.2), dbSNP rs775745371, ClinGen allele CA1312348.